The following is an entry in ClinVar:

NM_130384.3(ATRIP):c.1100A>G (p.Asp367Gly)

Genes: ATRIP (ATR interacting protein; plus strand), ATRIP-TREX1 (ATRIP-TREX1 readthrough; plus strand). Cytogenetic location: 3p21.31.
Variant type: single nucleotide variant.
Coding change: c.1100A>G on transcript NM_130384.3 (MANE Select); coding-DNA position 1100, A replaced by G.
Protein change: p.Asp367Gly; replaces aspartic acid 367 with glycine.
Molecular consequence: missense variant. On other transcripts: non-coding transcript variant (1).
Genome position (GRCh38, 1-based): chr3:48,460,154, A>G. VCF-style: chr3-48460154-A-G. GRCh37 (hg19) VCF-style: chr3-48501553-A-G.
Other names: c.719A>G, p.Asp240Gly (NM_001271022.2); c.821A>G, p.Asp274Gly (NM_001271023.2); c.1100A>G, p.Asp367Gly (NM_032166.4); short protein forms D240G, D274G, D367G.
Identifiers: ClinVar variation 3977006 (VCV003977006.1).

ClinVar aggregate classification (germline): Uncertain significance (1 of 4 stars; one submission).

Submission:

Ambry Genetics
Classification: Uncertain significance. Last evaluated: 2025-06-03. Review status: criteria provided, single submitter. Criteria: Ambry Variant Classification Scheme 2023. Collection method: clinical testing. Allele origin: germline.
Comment: The p.D367G variant (also known as c.1100A>G), located in coding exon 8 of the ATRIP gene, results from an A to G substitution at nucleotide position 1100. The aspartic acid at codon 367 is replaced by glycine, an amino acid with similar properties. This amino acid position is conserved. In addition, this alteration is predicted to be tolerated by in silico analysis. Based on the available evidence, the clinical significance of this variant remains unclear.